The following is an entry in ClinVar:

NM_018089.3(ANKZF1):c.1642G>A (p.Gly548Ser)

Gene: ANKZF1 (ankyrin repeat and zinc finger peptidyl tRNA hydrolase 1; plus strand). Cytogenetic location: 2q35.
Variant type: single nucleotide variant.
Coding change: c.1642G>A on transcript NM_018089.3 (MANE Select); coding-DNA position 1642, G replaced by A.
Protein change: p.Gly548Ser; replaces glycine 548 with serine.
Molecular consequence: missense variant.
Genome position (GRCh38, 1-based): chr2:219,235,263, G>A. VCF-style: chr2-219235263-G-A. GRCh37 (hg19) VCF-style: chr2-220099985-G-A.
Other names: c.1642G>A, p.Gly548Ser (NM_001042410.2); c.1012G>A, p.Gly338Ser (NM_001282792.2); short protein forms G548S, G338S.
Identifiers: ClinVar variation 2712686 (VCV002712686.3), dbSNP rs2544929548, ClinGen allele CA350682970.

ClinVar aggregate classification (germline): Uncertain significance (1 of 4 stars; one submission).

Submission:

Labcorp Genetics (formerly Invitae), Labcorp
Classification: Uncertain significance. Last evaluated: 2023-06-16. Review status: criteria provided, single submitter. Criteria: Invitae Variant Classification Sherloc (09022015). Collection method: clinical testing. Allele origin: germline.
Comment: In summary, the available evidence is currently insufficient to determine the role of this variant in disease. Therefore, it has been classified as a Variant of Uncertain Significance. Algorithms developed to predict the effect of missense changes on protein structure and function output the following: SIFT: "Not Available"; PolyPhen-2: "Benign"; Align-GVGD: "Not Available". The serine amino acid residue is found in multiple mammalian species, which suggests that this missense change does not adversely affect protein function. This variant has not been reported in the literature in individuals affected with ANKZF1-related conditions. This variant is not present in population databases (gnomAD no frequency). This sequence change replaces glycine, which is neutral and non-polar, with serine, which is neutral and polar, at codon 548 of the ANKZF1 protein (p.Gly548Ser).